The following is an entry in ClinVar:

ClinVar aggregate classification (germline): Uncertain significance. Review status: criteria provided, single submitter (1 of 4 stars). 2 submissions from 2 submitters: Uncertain significance (1). 1 of the submissions does not count toward it. Last evaluated 2025-08-01.

Conditions:
MYO7B-related disorder. Also called: MYO7B-related condition.

Allele frequency attached by ClinVar (database versions not stated): ExAC 0.00050; 1000 Genomes Project 0.00100; 1000 Genomes Project 30x 0.00141; gnomAD 0.00175; ESP Exome Variant Server 0.00180; TOPMed 0.00184; gnomAD exomes 0.00018.
gnomAD v4.1: 546 of 1,611,678 alleles (0.034%); highest among the groups gnomAD compares: African/African-American, 0.59%; 1 homozygote.

Submissions (2):

Ambry Genetics
Classification: Uncertain significance. Last evaluated: 2025-08-01. Review status: criteria provided, single submitter. Criteria: Ambry Variant Classification Scheme 2023. Collection method: clinical testing. Allele origin: germline.

PreventionGenetics, part of Exact Sciences
Classification: Likely benign for MYO7B-related condition. Last evaluated: 2019-04-11. Review status: no assertion criteria provided. Collection method: clinical testing. Allele origin: germline. Not counted in ClinVar's aggregate classification.
Comment: This variant is classified as likely benign based on ACMG/AMP sequence variant interpretation guidelines (Richards et al. 2015 PMID: 25741868, with internal and published modifications).

NM_001393586.1(MYO7B):c.5059G>A (p.Val1687Ile)

Gene: MYO7B (myosin VIIB; plus strand). Cytogenetic location: 2q14.3.
Variant type: single nucleotide variant.
Coding change: c.5059G>A on transcript NM_001393586.1 (MANE Select); coding-DNA position 5059, G replaced by A.
Protein change: p.Val1687Ile; replaces valine 1687 with isoleucine.
Molecular consequence: missense variant.
Genome position (GRCh38, 1-based): chr2:127,631,327, G>A. VCF-style: chr2-127631327-G-A. GRCh37 (hg19) VCF-style: chr2-128388902-G-A.
Other names: c.4981G>A, p.Val1661Ile (NM_001080527.2); c.1540G>A, p.Val514Ile (NM_001393594.1); short protein forms V1661I, V1687I, V514I.
Identifiers: ClinVar variation 3051509 (VCV003051509.3), dbSNP rs201972665, ClinGen allele CA1862117.
Genomic context (GRCh38, chr2:127,631,327, plus strand): 5'-CTGTGGGCCTATTCCTGCGAGCCGCTGCGACAGCCGCTGCTCAAGCGAGTCCACGCCAAC[G>A]TCGACCTCTGGGACATCGCCTGCCAGATCTTTGTCGATATCCTTCCCCACCAGCCTGCCT-3'
Protein context (NP_001380515.1, residues 1677-1697): QPLLKRVHAN[Val1687Ile]DLWDIACQIF